The following is an entry in ClinVar:

ClinVar aggregate classification (germline): Uncertain significance (1 of 4 stars; one submission).

Submission:

GeneDx
Classification: Uncertain significance. Last evaluated: 2021-07-15. Review status: criteria provided, single submitter. Criteria: GeneDx Variant Classification Process June 2021. Collection method: clinical testing. Allele origin: germline. Affected: yes.
Comment: Reported previously as a somatic pathogenic variant in tumor tissue of a patient with diffuse gastric cancer (Becker et al., 1994); Not observed at significant frequency in large population cohorts (Lek et al., 2016); In silico analysis supports that this missense variant has a deleterious effect on protein structure/function; This variant is associated with the following publications: (PMID: 15235021, 22850631, 27535533, 8033105, 12647996, 15311212, 11846558, 9744472)

NM_004360.5(CDH1):c.1109A>C (p.Asp370Ala)

Gene: CDH1 (cadherin 1; plus strand). Cytogenetic location: 16q22.1.
Variant type: single nucleotide variant.
Coding change: c.1109A>C on transcript NM_004360.5 (MANE Select); coding-DNA position 1109, A replaced by C.
Protein change: p.Asp370Ala; replaces aspartic acid 370 with alanine.
Molecular consequence: missense variant. On other transcripts: 5 prime UTR variant (2).
Genome position (GRCh38, 1-based): chr16:68,812,235, A>C. VCF-style: chr16-68812235-A-C. GRCh37 (hg19) VCF-style: chr16-68846138-A-C.
Other names: c.1109A>C, p.Asp370Ala (NM_001317184.2); c.-507A>C (NM_001317185.2); c.-711A>C (NM_001317186.2); short protein forms D370A.
Identifiers: ClinVar variation 1318733 (VCV001318733.2), dbSNP rs2152132676, ClinGen allele CA396460170.